The following is an entry in ClinVar:

NM_003587.5(DHX16):c.539C>A (p.Ala180Asp)

Gene: DHX16 (DEAH-box helicase 16; minus strand). Cytogenetic location: 6p21.33.
Variant type: single nucleotide variant.
Coding change: c.539C>A on transcript NM_003587.5 (MANE Select); coding-DNA position 539, C replaced by A.
Protein change: p.Ala180Asp; replaces alanine 180 with aspartic acid.
Molecular consequence: missense variant. On other transcripts: 5 prime UTR variant (1).
Genome position (GRCh38, 1-based): chr6:30,670,860, G>T on the plus strand (C>A on the coding strand, the complement: DHX16 is on the minus strand). VCF-style: chr6-30670860-G-T. GRCh37 (hg19) VCF-style: chr6-30638637-G-T.
Other names: c.359C>A, p.Ala120Asp (NM_001164239.2); c.-1581C>A (NM_001363515.2); short protein forms A120D, A180D.
Identifiers: ClinVar variation 3370749 (VCV003370749.1).

ClinVar aggregate classification (germline): Uncertain significance (1 of 4 stars; one submission).

Submission:

GeneDx
Classification: Uncertain significance. Last evaluated: 2024-03-07. Review status: criteria provided, single submitter. Criteria: GeneDx Variant Classification Process June 2021. Collection method: clinical testing. Allele origin: germline. Affected: yes.
Comment: Not observed at significant frequency in large population cohorts (gnomAD); In silico analysis supports that this missense variant does not alter protein structure/function; Has not been previously published as pathogenic or benign to our knowledge